The following is an entry in ClinVar:

ClinVar aggregate classification (germline): Pathogenic. Review status: criteria provided, single submitter (1 of 4 stars). 2 submissions from 2 submitters: Pathogenic (1). 1 of the submissions does not count toward it. Last evaluated 2024-03-07.

Conditions:
Xeroderma pigmentosum variant type. Also called: PHOTOSENSITIVITY WITH DEFECTIVE DNA SYNTHESIS; XERODERMA PIGMENTOSUM WITH NORMAL DNA REPAIR RATES; POLH-Related Xeroderma Pigmentosum. Identifiers: Orphanet 90342, MedGen C1848410, MONDO:0010214, OMIM 278750.

Allele frequency attached by ClinVar (database versions not stated): gnomAD exomes below 0.00001; TOPMed below 0.00001.
gnomAD v4.1: 2 of 1,614,018 alleles (0.00012%); highest among the groups gnomAD compares: Non-Finnish European, 0.00017%; no homozygotes.

Submissions (2):

Labcorp Genetics (formerly Invitae), Labcorp
Classification: Pathogenic. Last evaluated: 2024-03-07. Review status: criteria provided, single submitter. Criteria: Invitae Variant Classification Sherloc (09022015). Collection method: clinical testing. Allele origin: germline.
Comment: This sequence change creates a premature translational stop signal (p.Gln373*) in the POLH gene. It is expected to result in an absent or disrupted protein product. Loss-of-function variants in POLH are known to be pathogenic (PMID: 11773631, 24130121, 25256075). This variant is present in population databases (rs121908564, gnomAD 0.0009%). This premature translational stop signal has been observed in individual(s) with xeroderma pigmentosum (PMID: 10398605). ClinVar contains an entry for this variant (Variation ID: 5890). For these reasons, this variant has been classified as Pathogenic.

OMIM
Classification: Pathogenic for XERODERMA PIGMENTOSUM, VARIANT TYPE. Last evaluated: 1999-07-09. Review status: no assertion criteria provided. Collection method: literature only. Allele origin: germline. Not counted in ClinVar's aggregate classification.

Literature cited by the submitters: PubMed 11773631 (cited by Labcorp Genetics (formerly Invitae), Labcorp); PubMed 24130121 (cited by Labcorp Genetics (formerly Invitae), Labcorp); PubMed 25256075 (cited by Labcorp Genetics (formerly Invitae), Labcorp); PubMed 10398605 (cited by Labcorp Genetics (formerly Invitae), Labcorp and OMIM).

NM_006502.3(POLH):c.1117C>T (p.Gln373Ter)

Gene: POLH (DNA polymerase eta; plus strand). Cytogenetic location: 6p21.1.
Variant type: single nucleotide variant.
Coding change: c.1117C>T on transcript NM_006502.3 (MANE Select); coding-DNA position 1117, C replaced by T.
Protein change: p.Gln373Ter; replaces glutamine 373 with a stop codon.
Molecular consequence: nonsense.
Genome position (GRCh38, 1-based): chr6:43,610,596, C>T. VCF-style: chr6-43610596-C-T. GRCh37 (hg19) VCF-style: chr6-43578333-C-T.
Other names: V372*; c.745C>T, p.Gln249Ter (NM_001291969.2); c.1117C>T, p.Gln373Ter (NM_001291970.2); short protein forms Q373*, Q249*.
Identifiers: ClinVar variation 5890 (VCV000005890.6), dbSNP rs121908564, ClinGen allele CA253644.